The following is an entry in ClinVar:

NM_001177316.2(SLC34A3):c.756+21dup

Gene: SLC34A3 (solute carrier family 34 member 3; plus strand). Cytogenetic location: 9q34.3.
Variant type: Duplication.
Coding change: c.756+21dup on transcript NM_001177316.2 (MANE Select); 21 bases into the intron after coding-DNA position 756, one base duplicated (C; older notation c.756+21dupC).
Molecular consequence: intron variant.
Genome position (GRCh38, 1-based): chr9:137,233,425, C duplicated; the last of 5 consecutive C bases (chr9:137,233,421-137,233,425); duplicating any one gives the same sequence. VCF-style (leftmost placement, unchanged base first): chr9-137233420-G-GC. GRCh37 (hg19) VCF-style: chr9-140127872-G-GC.
Other names: c.756+21dup (NM_001177317.2, NM_080877.3); c.756+21dupC (NM_080877.3).
Identifiers: ClinVar variation 1613123 (VCV001613123.10), dbSNP rs748238812, ClinGen allele CA5364551.

ClinVar aggregate classification (germline): Benign/Likely benign. Review status: criteria provided, multiple submitters, no conflicts (2 of 4 stars). 2 submissions from 2 submitters: Benign (1); Likely benign (1). Last evaluated 2024-05-16.

Submissions (2):

Women's Health and Genetics/Laboratory Corporation of America, LabCorp
Classification: Likely benign. Last evaluated: 2024-05-16. Review status: criteria provided, single submitter. Criteria: LabCorp Variant Classification Summary - May 2015. Collection method: clinical testing. Allele origin: germline.
Comment: Variant summary: SLC34A3 c.756+21dupC is located at a position not widely known to affect splicing. Consensus agreement among computation tools predict no significant impact on normal splicing. However, these predictions have yet to be confirmed by functional studies. The variant allele was found at a frequency of 2.5e-05 in 200458 control chromosomes. The available data on variant occurrences in the general population are insufficient to allow any conclusion about variant significance. To our knowledge, no occurrence of c.756+21dupC in individuals affected with Hereditary Hypophosphatemic Rickets With Hypercalciuria and no experimental evidence demonstrating its impact on protein function have been reported. ClinVar contains an entry for this variant (Variation ID: 1613123). Based on the evidence outlined above, the variant was classified as likely benign.

Labcorp Genetics (formerly Invitae), Labcorp
Classification: Benign. Last evaluated: 2023-04-17. Review status: criteria provided, single submitter. Criteria: Invitae Variant Classification Sherloc (09022015). Collection method: clinical testing. Allele origin: germline.